The following is an entry in ClinVar:

ClinVar aggregate classification (germline): Uncertain significance (1 of 4 stars; one submission).

Conditions:
Fabry disease. Also called: ALPHA-GALACTOSIDASE A DEFICIENCY; ANDERSON-FABRY DISEASE; CERAMIDE TRIHEXOSIDASE DEFICIENCY; GLA DEFICIENCY; HEREDITARY DYSTOPIC LIPIDOSIS; Angiokeratoma corporis diffusum. Identifiers: Orphanet 324, MedGen C0002986, MONDO:0010526, OMIM 301500, HP:0001071. Disease mechanism: Fabry disease is due to inactivating mutations in the X-linked GLA gene resulting in deficiency of the enzyme Alpha Galactosidase-A., loss of function.

Submission:

Genomenon, Inc
Classification: Uncertain significance for Fabry disease. Last evaluated: 2026-09-08. Review status: criteria provided, single submitter. Criteria: Genomenon Sequence Variant Interpretation Standards - Updated. Collection method: curation. Allele origin: germline. Affected: no.
Comment: GLA p.Ser238Arg (c.714T>A) is a missense variant that changes the amino acid at codon 238 from Serine to Arginine. This variant has been reported in the published literature (PMID:33016649;31956509). The presence of pathogenic/likely pathogenic missense variant(s) at the same amino acid position indicates that this residue is likely important for protein function. It is absent or not present at a significant frequency in gnomAD. In silico models predict that this variant is possibly or probably damaging. In conclusion, we classify GLA p.Ser238Arg (c.714T>A) as a variant of uncertain significance.

Literature cited by the submitters: PubMed 33016649; PubMed 31956509.

NM_000169.3(GLA):c.714T>A (p.Ser238Arg)

Genes: GLA (galactosidase alpha; minus strand), RPL36A-HNRNPH2 (RPL36A-HNRNPH2 readthrough; plus strand). Cytogenetic location: Xq22.1.
Variant type: single nucleotide variant.
Coding change: c.714T>A on transcript NM_000169.3 (MANE Select); coding-DNA position 714, T replaced by A.
Protein change: p.Ser238Arg; replaces serine 238 with arginine.
Molecular consequence: missense variant. On other transcripts: non-coding transcript variant (3), intron variant (2).
Genome position (GRCh38, 1-based): chrX:101,398,872, A>T on the plus strand (T>A on the coding strand, the complement: GLA is on the minus strand). VCF-style: chrX-101398872-A-T. GRCh37 (hg19) VCF-style: chrX-100653860-A-T.
Other names: c.837T>A, p.Ser279Arg (NM_001406747.1); c.714T>A, p.Ser238Arg (NM_001406748.1); c.300+3415A>T (NM_001199973.2); c.177+7050A>T (NM_001199974.2); short protein forms S238R, S279R.
Identifiers: ClinVar variation 4087477 (VCV004087477.2).
Genomic context (GRCh38, chrX:101,398,872, plus strand): 5'-TCCAGCAACATCAACAATTCTCTCCTGGTTAAAAGATGTCCAGTCCAAGATACTCTTTAT[A>T]CTTTTCCAGGAATCATCAATGTCAGCAAAATTTCGCCAGTGATTGCAGTACTGTCGGATT-3'
Protein context (NP_000160.1, residues 228-248): NFADIDDSWK[Ser238Arg]IKSILDWTSF